The following is an entry in ClinVar:

ClinVar aggregate classification (germline): Uncertain significance (1 of 4 stars; one submission).

Conditions:
Maple syrup urine disease (MSUD). Identifiers: Orphanet 511, MedGen C0024776, MeSH D008375, MONDO:0009563. Disease mechanism: loss of function.

Allele frequency attached by ClinVar (database versions not stated): gnomAD exomes below 0.00001.
gnomAD v4.1: 2 of 1,614,150 alleles (0.00012%); highest among the groups gnomAD compares: Non-Finnish European, 0.00017%; no homozygotes.

Submission:

Labcorp Genetics (formerly Invitae), Labcorp
Classification: Uncertain significance for Maple syrup urine disease. Last evaluated: 2022-10-31. Review status: criteria provided, single submitter. Criteria: Invitae Variant Classification Sherloc (09022015). Collection method: clinical testing. Allele origin: germline.
Comment: This sequence change replaces leucine, which is neutral and non-polar, with phenylalanine, which is neutral and non-polar, at codon 305 of the DBT protein (p.Leu305Phe). This variant is not present in population databases (gnomAD no frequency). This variant has not been reported in the literature in individuals affected with DBT-related conditions. Advanced modeling of protein sequence and biophysical properties (such as structural, functional, and spatial information, amino acid conservation, physicochemical variation, residue mobility, and thermodynamic stability) has been performed at Invitae for this missense variant, however the output from this modeling did not meet the statistical confidence thresholds required to predict the impact of this variant on DBT protein function. In summary, the available evidence is currently insufficient to determine the role of this variant in disease. Therefore, it has been classified as a Variant of Uncertain Significance.

NM_001918.5(DBT):c.913C>T (p.Leu305Phe)

Gene: DBT (dihydrolipoamide branched chain transacylase E2; minus strand). Cytogenetic location: 1p21.2.
Variant type: single nucleotide variant.
Coding change: c.913C>T on transcript NM_001918.5 (MANE Select); coding-DNA position 913, C replaced by T.
Protein change: p.Leu305Phe; replaces leucine 305 with phenylalanine.
Molecular consequence: missense variant. On other transcripts: non-coding transcript variant (4).
Genome position (GRCh38, 1-based): chr1:100,214,843, G>A on the plus strand (C>T on the coding strand, the complement: DBT is on the minus strand). VCF-style: chr1-100214843-G-A. GRCh37 (hg19) VCF-style: chr1-100680399-G-A.
Other names: c.370C>T, p.Leu124Phe (NM_001399969.1, NM_001399972.1); short protein forms L305F, L124F.
Identifiers: ClinVar variation 2918262 (VCV002918262.3), dbSNP rs2524147165, ClinGen allele CA341337040.